The following is an entry in ClinVar:

ClinVar aggregate classification (germline): Likely pathogenic. Review status: reviewed by expert panel (3 of 4 stars). 5 submissions from 5 submitters: Likely pathogenic (1). 4 of the submissions do not count toward it. Last evaluated 2026-10-13.

Conditions:
Galactosemia. Also called: Galactose intolerance. Identifiers: Orphanet 352, MedGen C0016952, MONDO:0018116, HP:0004919. Disease mechanism: loss of function.
Deficiency of UDPglucose-hexose-1-phosphate uridylyltransferase. Also called: Transferase Deficiency Galactosemia; GALACTOSE-1-PHOSPHATE URIDYLYLTRANSFERASE DEFICIENCY; GALACTOSEMIA I; GALT deficiency; Galactosemia, classic. Identifiers: Orphanet 352, Orphanet 79239, MedGen C0268151, MONDO:0009258, OMIM 230400.

Allele frequency attached by ClinVar (database versions not stated): ExAC 0.00001; TOPMed 0.00001; gnomAD 0.00001.
gnomAD v4.1: 20 of 1,613,432 alleles (0.0012%); highest among the groups gnomAD compares: Non-Finnish European, 0.0016%; no homozygotes.

Submissions (5):

Clingen Galactosemia Variant Curation Expert Panel, ClinGen
Classification: Likely pathogenic for Galactosemia. Last evaluated: 2026-10-13. Review status: reviewed by expert panel. Criteria: ClinGen Galactosemia ACMG Specifications GALT V1.1. Collection method: curation. Allele origin: germline. Inheritance: Autosomal recessive inheritance.
Comment: The c.752A>C variant in GALT is a missense variant predicted to cause substitution of tyrosine by serine at amino acid 251 (p.Tyr251Ser). At least one patient with this variant displayed < 1% of control GALT activity in peripheral erythrocytes, which is highly specific for galactosemia (PP4_supporting, PMID: 11397328). This proband was compound heterozygous for the variant and a pathogenic variant (unknown phase, 0.5 PM3 points, PM3_supporting). The filtering allele frequency (the upper threshold of the 95% CI of 19/1180022) of the c.752A>C variant in GALT is 0.0000103 for Non-Finnish European chromosomes by gnomAD v4.1.1, which is lower than the ClinGen Galactosemia threshold (≤ 0.0005) for PM2_Supporting, and therefore meets this criterion (PM2_Supporting). The computational predictor REVEL gives a score of 0.879, which is equal to or above the threshold of 0.7, evidence that correlates with impact to GALT function (PP3). The same amino acid change (p.Tyr251Ser), resulting from a different nucleotide change c.752_753delinsCT (VarID: 286433), is classified as likely pathogenic for galactosemia by the ClinGen Galactosemia Variant Curation Expert Panel (PS1_Moderate). In summary, this variant meets the criteria to be classified as Likely pathogenic for galactosemia based on the ACMG/AMP criteria applied, as specified by the ClinGen Galactosemia VCEP: PS1_moderate, PM3_supporting, PM2_supporting, PP3, PP4.

Natera, Inc.
Classification: Likely pathogenic for Galactosemia. Last evaluated: 2025-09-10. Review status: criteria provided, single submitter. Criteria: Natera Variant Classification Schema (03/2026). Collection method: clinical testing. Allele origin: germline. Not counted in ClinVar's aggregate classification.
Comment: The c.752A>C variant in GALT is a missense variant predicted to cause substitution of tyrosine to serine at amino acid 251. This variant is rare in the general population with a frequency below the threshold expected for the associated phenotype(s). This variant has been observed in one or more individuals affected with the associated recessive disease, as either homozygous or compound heterozygous with a second variant (PMID: 11397328). This variant has been identified in one or more affected individuals with a phenotype highly consistent with the associated gene (PMID: 11397328). Computational prediction algorithms indicate this variant is likely to affect gene or protein function. Given the available evidence, this variant is classified as Likely Pathogenic.

Women's Health and Genetics/Laboratory Corporation of America, LabCorp
Classification: Uncertain significance. Last evaluated: 2024-04-19. Review status: criteria provided, single submitter. Criteria: LabCorp Variant Classification Summary - May 2015. Collection method: clinical testing. Allele origin: germline. Not counted in ClinVar's aggregate classification.
Comment: Variant summary: GALT c.752A>C (p.Tyr251Ser) results in a non-conservative amino acid change located in the Galactose-1-phosphate uridyl transferase, C-terminal domain (IPR005850) of the encoded protein sequence. Five of five in-silico tools predict a damaging effect of the variant on protein function. The variant was absent in 250978 control chromosomes. c.752A>C has been reported in the literature in individuals affected with Galactosemia (Elsas_1998, Robertson_2000, Yang_2002). These data indicate that the variant may be associated with disease. To our knowledge, no experimental evidence demonstrating an impact on protein function has been reported. The following publications have been ascertained in the context of this evaluation (PMID: 11261429, 11397328, 11754113). ClinVar contains an entry for this variant (Variation ID: 25254). Based on the evidence outlined above, the variant was classified as VUS-possibly pathogenic.

ARUP Laboratories, Molecular Genetics and Genomics, ARUP Laboratories
Classification: Likely pathogenic for Deficiency of UDPglucose-hexose-1-phosphate uridylyltransferase. Last evaluated: 2021-03-31. Review status: criteria provided, single submitter. Criteria: ARUP Molecular Germline Variant Investigation Process 2021. Collection method: clinical testing. Allele origin: germline. Not counted in ClinVar's aggregate classification.
Comment: The GALT c.752A>C; p.Tyr251Ser variant (rs111033755) is reported in the literature in multiple individuals affected with galactosemia (Tyfield 1999, Yang 2002). This variant is also reported in ClinVar (Variation ID: 25254). This variant is only observed on one allele in the Genome Aggregation Database, indicating it is not a common polymorphism. Additionally, another variant at this codon (c.752A>G; p.Tyr251Cys) has been reported in individuals with galactosemia (Tyfield 1999). The tyrosine at codon 251 is weakly conserved, but computational analyses predict that this variant is deleterious (REVEL: 0.879). Based on available information, the p.Tyr251Ser variant is considered to be likely pathogenic. References: Tyfield L. Classical galactosemia and mutations at the galactose-1-phosphate uridyl transferase (GALT) gene. Hum Mutat. 1999;13(6):417-30. PMID: 10408771. Yang YP, Corley N, Garcia-Heras J. Molecular analysis in newborns from Texas affected with galactosemia. Hum Mutat. 2002 Jan;19(1):82-3. PMID: 11754113.

Eurofins Ntd Llc (ga)
Classification: Uncertain significance. Last evaluated: 2016-02-19. Review status: criteria provided, single submitter. Criteria: EGL Classification Definitions 2015. Collection method: clinical testing. Allele origin: germline. Not counted in ClinVar's aggregate classification.

Literature cited by the submitters: PubMed 11397328 (cited by Natera, Inc. and Women's Health and Genetics/Laboratory Corporation of America, LabCorp); PubMed 11754113 (cited by Women's Health and Genetics/Laboratory Corporation of America, LabCorp); PubMed 11261429 (cited by Women's Health and Genetics/Laboratory Corporation of America, LabCorp and Eurofins Ntd Llc (ga)).

NM_000155.4(GALT):c.752A>C (p.Tyr251Ser)

Gene: GALT (galactose-1-phosphate uridylyltransferase; plus strand). Cytogenetic location: 9p13.3.
Variant type: single nucleotide variant.
Coding change: c.752A>C on transcript NM_000155.4 (MANE Select); coding-DNA position 752, A replaced by C.
Protein change: p.Tyr251Ser; replaces tyrosine 251 with serine.
Molecular consequence: missense variant.
Genome position (GRCh38, 1-based): chr9:34,648,826, A>C. VCF-style: chr9-34648826-A-C. GRCh37 (hg19) VCF-style: chr9-34648823-A-C.
Other names: NM_000155.4(GALT):c.752A>C; c.425A>C, p.Tyr142Ser (NM_001258332.2); short protein forms Y251S, Y142S.
Identifiers: ClinVar variation 25254 (VCV000025254.16), dbSNP rs111033755, ClinGen allele CA259490.
Genomic context (GRCh38, chr9:34,648,826, plus strand): 5'-GTCTGGTCCTAACCAGTGAGCACTGGTTAGTACTGGTCCCCTTCTGGGCAACATGGCCCT[A>C]CCAGACACTGCTGCTGCCCCGTCGGCATGTGCGGCGGCTACCTGAGCTGACCCCTGCTGA-3'
Protein context (NP_000146.2, residues 241-261): VLVPFWATWP[Tyr251Ser]QTLLLPRRHV